The following is an entry in ClinVar:

ClinVar aggregate classification (germline): Likely benign (0 of 4 stars; one submission).

Conditions:
SEMA3D-related disorder. Also called: SEMA3D-related condition.

gnomAD v4.1: 26 of 1,612,376 alleles (0.0016%); highest among the groups gnomAD compares: African/African-American, 0.015%; 1 homozygote.

Submission:

PreventionGenetics, part of Exact Sciences
Classification: Likely benign for SEMA3D-related condition. Last evaluated: 2023-06-13. Review status: no assertion criteria provided. Collection method: clinical testing. Allele origin: germline.
Comment: This variant is classified as likely benign based on ACMG/AMP sequence variant interpretation guidelines (Richards et al. 2015 PMID: 25741868, with internal and published modifications).

NM_001384900.1(SEMA3D):c.1317G>A (p.Thr439=)

Gene: SEMA3D (semaphorin 3D; minus strand). Cytogenetic location: 7q21.11.
Variant type: single nucleotide variant.
Coding change: c.1317G>A on transcript NM_001384900.1 (MANE Select); coding-DNA position 1317, G replaced by A.
Protein change: p.Thr439=; no amino-acid change (threonine 439 retained).
Molecular consequence: synonymous variant.
Genome position (GRCh38, 1-based): chr7:85,022,488, C>T on the plus strand (G>A on the coding strand, the complement: SEMA3D is on the minus strand). VCF-style: chr7-85022488-C-T. GRCh37 (hg19) VCF-style: chr7-84651804-C-T.
Other names: c.1317G>A, p.Thr439= (NM_001384901.1, NM_001384902.1, NM_001384903.1 and 1 more transcripts).
Identifiers: ClinVar variation 3357378 (VCV003357378.1).
Genomic context (GRCh38, chr7:85,022,488, plus strand): 5'-TGCAATGACATGATCCACCACTATCTGTGTCAGTCTGTAATCCACATTGATTCTCTTGAA[C>T]GTTGGTCCTCCTGCAACTGGGTATACGGACTTATACATCACAGAGTGCCGCTTTATGAAA-3'
Protein context (NP_001371829.1, residues 429-449): KSVYPVAGGP[Thr439=]FKRINVDYRL